The following is an entry in ClinVar:

NM_005591.4(MRE11):c.137T>C (p.Leu46Pro)

Gene: MRE11 (MRE11 double strand break repair nuclease; minus strand). Cytogenetic location: 11q21.
Variant type: single nucleotide variant.
Coding change: c.137T>C on transcript NM_005591.4 (MANE Select); coding-DNA position 137, T replaced by C.
Protein change: p.Leu46Pro; replaces leucine 46 with proline.
Molecular consequence: missense variant.
Genome position (GRCh38, 1-based): chr11:94,490,849, A>G on the plus strand (T>C on the coding strand, the complement: MRE11 is on the minus strand). VCF-style: chr11-94490849-A-G. GRCh37 (hg19) VCF-style: chr11-94224015-A-G.
Other names: c.137T>C, p.Leu46Pro (NM_001330347.2, NM_005590.4); short protein forms L46P.
Identifiers: ClinVar variation 1800357 (VCV001800357.2), dbSNP rs2496652549, ClinGen allele CA382380620.
Genomic context (GRCh38, chr11:94,490,849, plus strand): 5'-CAAGGGAATATGGTAGATAGTGCACAAATACAAACCACACTCACTTCATTTTCCTGGGCA[A>G]GTCTTAAAATTTCATCGAGTGTTACAAACGTATCATTTCCTCTGACTGCATCTTTCTCCA-3'
Protein context (NP_005582.1, residues 36-56): TFVTLDEILR[Leu46Pro]AQENEVDFIL

ClinVar aggregate classification (germline): Uncertain significance (1 of 4 stars; one submission).

Conditions:
Hereditary cancer-predisposing syndrome. Also called: Neoplastic Syndromes, Hereditary; Tumor predisposition; Hereditary Cancer Syndrome; Hereditary neoplastic syndrome. Identifiers: Orphanet 140162, MedGen C0027672, MeSH D009386, MONDO:0015356.

Submission:

Ambry Genetics
Classification: Uncertain significance for Hereditary cancer-predisposing syndrome. Last evaluated: 2017-11-21. Review status: criteria provided, single submitter. Criteria: Ambry Variant Classification Scheme 2023. Collection method: clinical testing. Allele origin: germline.
Comment: The p.L46P variant (also known as c.137T>C), located in coding exon 2 of the MRE11A gene, results from a T to C substitution at nucleotide position 137. The leucine at codon 46 is replaced by proline, an amino acid with similar properties. This amino acid position is highly conserved through mammals but not in all available vertebrate species. In addition, this alteration is predicted to be deleterious by in silico analysis. Since supporting evidence is limited at this time, the clinical significance of this alteration remains unclear.